The following is an entry in ClinVar:

NM_014363.6(SACS):c.10479A>G (p.Lys3493=)

Gene: SACS (sacsin molecular chaperone; minus strand). Cytogenetic location: 13q12.12.
Variant type: single nucleotide variant.
Coding change: c.10479A>G on transcript NM_014363.6 (MANE Select); coding-DNA position 10479, A replaced by G.
Protein change: p.Lys3493=; no amino-acid change (lysine 3493 retained).
Molecular consequence: synonymous variant.
Genome position (GRCh38, 1-based): chr13:23,333,397, T>C on the plus strand (A>G on the coding strand, the complement: SACS is on the minus strand). VCF-style: chr13-23333397-T-C. GRCh37 (hg19) VCF-style: chr13-23907536-T-C.
Other names: c.10038A>G, p.Lys3346= (NM_001278055.2).
Identifiers: ClinVar variation 1087382 (VCV001087382.10), dbSNP rs61754476, ClinGen allele CA6910444.
Genomic context (GRCh38, chr13:23,333,397, plus strand): 5'-AATCTCTGATAATTCCTCAGCACTTGATAATCTATTCTTAAGGTAGATCAAGTGCTCTAA[T>C]TTTGCATCATAAGAGAGATTTTCAATTTTTGGTAAGAGGTGTTTCAAATATACCTCAAGA-3'
Protein context (NP_055178.3, residues 3483-3503): PKIENLSYDA[Lys3493=]LEHLIYLKNR

ClinVar aggregate classification (germline): Likely benign. Review status: criteria provided, multiple submitters, no conflicts (2 of 4 stars). 2 submissions from 2 submitters: Likely benign (2). Last evaluated 2026-09-01.

Conditions:
Spastic paraplegia. Identifiers: MedGen C0037772, HP:0001258.

Allele frequency attached by ClinVar (database versions not stated): gnomAD 0.00001; gnomAD exomes 0.00002 and 0.00005; TOPMed 0.00002; ExAC 0.00003.

Submissions (2):

CeGaT Center for Human Genetics Tuebingen
Classification: Likely benign. Last evaluated: 2026-09-01. Review status: criteria provided, single submitter. Criteria: CeGaT Center For Human Genetics Tuebingen Variant Classification Criteria Version 2. Collection method: clinical testing. Allele origin: germline. Affected: yes. Observed: 1 variant allele.
Comment: SACS: BP4, BP7

Labcorp Genetics (formerly Invitae), Labcorp
Classification: Likely benign for Spastic paraplegia. Last evaluated: 2025-04-14. Review status: criteria provided, single submitter. Criteria: Invitae Variant Classification Sherloc (09022015). Collection method: clinical testing. Allele origin: germline.